The following is an entry in ClinVar:

NM_004100.5(EYA4):c.1040C>A (p.Ser347Tyr)

Gene: EYA4 (EYA transcriptional coactivator and phosphatase 4; plus strand). Cytogenetic location: 6q23.2.
Variant type: single nucleotide variant.
Coding change: c.1040C>A on transcript NM_004100.5 (MANE Select); coding-DNA position 1040, C replaced by A.
Protein change: p.Ser347Tyr; replaces serine 347 with tyrosine.
Molecular consequence: missense variant.
Genome position (GRCh38, 1-based): chr6:133,481,532, C>A. VCF-style: chr6-133481532-C-A. GRCh37 (hg19) VCF-style: chr6-133802670-C-A.
Other names: c.878C>A, p.Ser293Tyr (NM_001301012.2); c.1058C>A, p.Ser353Tyr (NM_001301013.2); c.971C>A, p.Ser324Tyr (NM_001370458.1, NM_172103.4); c.896C>A, p.Ser299Tyr (NM_001370459.1); c.1040C>A, p.Ser347Tyr (NM_172105.4); short protein forms S293Y, S347Y, S324Y, S353Y, S299Y.
Identifiers: ClinVar variation 2533342 (VCV002533342.3), dbSNP rs774111274, ClinGen allele CA4008228.
Genomic context (GRCh38, chr6:133,481,532, plus strand): 5'-ATACCATGCAGAGTCCCTCCACACCCATCAAAGATCTTGATGAGAGAACCTGTAGGAGTT[C>A]TGGGTCAAAGTCCAGAGGAAGAGGCCGGAAAAATAATCCCTCCCCGCCTCCTGATAGTGA-3'
Protein context (NP_004091.3, residues 337-357): KDLDERTCRS[Ser347Tyr]GSKSRGRGRK

ClinVar aggregate classification (germline): Uncertain significance (1 of 4 stars; one submission).

Conditions:
Cardiovascular phenotype. Identifiers: MedGen CN230736.

Allele frequency attached by ClinVar (database versions not stated): ExAC 0.00001.
gnomAD v4.1: 3 of 1,614,012 alleles (0.00019%); highest among the groups gnomAD compares: South Asian, 0.0033%; no homozygotes.

Submission:

Ambry Genetics
Classification: Uncertain significance for Cardiovascular phenotype. Last evaluated: 2024-06-23. Review status: criteria provided, single submitter. Criteria: Ambry Variant Classification Scheme 2023. Collection method: clinical testing. Allele origin: germline.
Comment: The p.S347Y variant (also known as c.1040C>A), located in coding exon 11 of the EYA4 gene, results from a C to A substitution at nucleotide position 1040. The serine at codon 347 is replaced by tyrosine, an amino acid with dissimilar properties. This amino acid position is conserved. In addition, the in silico prediction for this alteration is inconclusive. Based on the available evidence, the clinical significance of this variant remains unclear.